The following is an entry in ClinVar:

ClinVar aggregate classification (germline): Uncertain significance. Review status: criteria provided, multiple submitters, no conflicts (2 of 4 stars). 3 submissions from 3 submitters: Uncertain significance (3). Last evaluated 2025-09-06.

Conditions:
Inborn genetic diseases. Identifiers: MedGen C0950123, MeSH D030342.

Allele frequency attached by ClinVar (database versions not stated): gnomAD 0.00001; gnomAD exomes 0.00001; TOPMed 0.00002.
gnomAD v4.1: 7 of 1,551,416 alleles (0.00045%); highest among the groups gnomAD compares: East Asian, 0.017%; no homozygotes.

Submissions (3):

Labcorp Genetics (formerly Invitae), Labcorp
Classification: Uncertain significance. Last evaluated: 2025-09-06. Review status: criteria provided, single submitter. Criteria: Invitae Variant Classification Sherloc (09022015). Collection method: clinical testing. Allele origin: germline.
Comment: This sequence change replaces serine, which is neutral and polar, with glycine, which is neutral and non-polar, at codon 752 of the SLC24A1 protein (p.Ser752Gly). This variant is not present in population databases (gnomAD no frequency). This variant has not been reported in the literature in individuals affected with SLC24A1-related conditions. ClinVar contains an entry for this variant (Variation ID: 1439293). An algorithm developed to predict the effect of missense changes on protein structure and function outputs the following: PolyPhen-2: "Benign". The glycine amino acid residue is found in multiple mammalian species, which suggests that this missense change does not adversely affect protein function. In summary, the available evidence is currently insufficient to determine the role of this variant in disease. Therefore, it has been classified as a Variant of Uncertain Significance.

Ambry Genetics
Classification: Uncertain significance for Inborn genetic diseases. Last evaluated: 2025-08-23. Review status: criteria provided, single submitter. Criteria: Ambry Variant Classification Scheme 2023. Collection method: clinical testing. Allele origin: germline.

Blueprint Genetics
Classification: Uncertain significance. Last evaluated: 2021-12-24. Review status: criteria provided, single submitter. Criteria: ACMG Guidelines, 2015. Collection method: clinical testing. Allele origin: germline.

NM_004727.3(SLC24A1):c.2254A>G (p.Ser752Gly)

Gene: SLC24A1 (solute carrier family 24 member 1; plus strand). Cytogenetic location: 15q22.31.
Variant type: single nucleotide variant.
Coding change: c.2254A>G on transcript NM_004727.3 (MANE Select); coding-DNA position 2254, A replaced by G.
Protein change: p.Ser752Gly; replaces serine 752 with glycine.
Molecular consequence: missense variant.
Genome position (GRCh38, 1-based): chr15:65,650,403, A>G. VCF-style: chr15-65650403-A-G. GRCh37 (hg19) VCF-style: chr15-65942741-A-G.
Other names: c.2254A>G (NM_004727.2); c.235A>G, p.Ser79Gly (NM_001254740.2); c.2254A>G, p.Ser752Gly (NM_001301031.1); c.2200A>G, p.Ser734Gly (NM_001301032.1, NM_001301033.2); short protein forms S752G, S734G, S79G.
Identifiers: ClinVar variation 1439293 (VCV001439293.6), dbSNP rs1275859114, ClinGen allele CA392898681.